The following is an entry in ClinVar:

ClinVar aggregate classification (germline): Uncertain significance (1 of 4 stars; one submission).

Conditions:
Inborn genetic diseases. Identifiers: MedGen C0950123, MeSH D030342.

gnomAD v4.1: 1 of 1,613,904 alleles (0.000062%); highest among the groups gnomAD compares: Non-Finnish European, 0.000085%; no homozygotes.

Submission:

Ambry Genetics
Classification: Uncertain significance for Inborn genetic diseases. Last evaluated: 2025-04-10. Review status: criteria provided, single submitter. Criteria: Ambry Variant Classification Scheme 2023. Collection method: clinical testing. Allele origin: germline.
Comment: The p.G249V variant (also known as c.746G>T), located in coding exon 1 of the SAMD9 gene, results from a G to T substitution at nucleotide position 746. The glycine at codon 249 is replaced by valine, an amino acid with dissimilar properties. This amino acid position is conserved. In addition, the in silico prediction for this alteration is inconclusive. Based on the available evidence, the clinical significance of this variant remains unclear.

NM_017654.4(SAMD9):c.746G>T (p.Gly249Val)

Gene: SAMD9 (sterile alpha motif domain containing 9; minus strand). Cytogenetic location: 7q21.2.
Variant type: single nucleotide variant.
Coding change: c.746G>T on transcript NM_017654.4 (MANE Select); coding-DNA position 746, G replaced by T.
Protein change: p.Gly249Val; replaces glycine 249 with valine.
Molecular consequence: missense variant.
Genome position (GRCh38, 1-based): chr7:93,105,352, C>A on the plus strand (G>T on the coding strand, the complement: SAMD9 is on the minus strand). VCF-style: chr7-93105352-C-A. GRCh37 (hg19) VCF-style: chr7-92734665-C-A.
Other names: c.746G>T, p.Gly249Val (NM_001193307.2); short protein forms G249V.
Identifiers: ClinVar variation 3949537 (VCV003949537.1).
Genomic context (GRCh38, chr7:93,105,352, plus strand): 5'-TTTATCATCAGATTGAAATGGTTAATGAGGGCTTCCTTGGTATCATTGGTGACTTTGATG[C>A]CAACAATTTTCCCATGGGGTTTGTCTTTGACTCCAAAATGAATAGTGCCATTGGTACGTG-3'
Protein context (NP_060124.2, residues 239-259): VKDKPHGKIV[Gly249Val]IKVTNDTKEA